The following is an entry in ClinVar:

NM_001382508.1(DROSHA):c.449C>G (p.Ser150Cys)

Gene: DROSHA (drosha ribonuclease III; minus strand). Cytogenetic location: 5p13.3.
Variant type: single nucleotide variant.
Coding change: c.449C>G on transcript NM_001382508.1 (MANE Select); coding-DNA position 449, C replaced by G.
Protein change: p.Ser150Cys; replaces serine 150 with cysteine.
Molecular consequence: missense variant.
Genome position (GRCh38, 1-based): chr5:31,526,484, G>C on the plus strand (C>G on the coding strand, the complement: DROSHA is on the minus strand). VCF-style: chr5-31526484-G-C. GRCh37 (hg19) VCF-style: chr5-31526591-G-C.
Other names: c.449C>G, p.Ser150Cys (NM_001100412.2, NM_013235.5); short protein forms S150C.
Identifiers: ClinVar variation 3344147 (VCV003344147.1).

ClinVar aggregate classification (germline): Uncertain significance (0 of 4 stars; one submission).

Conditions:
DROSHA-related disorder. Also called: DROSHA-related condition.

Submission:

PreventionGenetics, part of Exact Sciences
Classification: Uncertain significance for DROSHA-related condition. Last evaluated: 2024-05-02. Review status: no assertion criteria provided. Collection method: clinical testing. Allele origin: germline.
Comment: The DROSHA c.449C>G variant is predicted to result in the amino acid substitution p.Ser150Cys. To our knowledge, this variant has not been reported in the literature or in a large population database, indicating this variant is rare. At this time, the clinical significance of this variant is uncertain due to the absence of conclusive functional and genetic evidence.